The following is an entry in ClinVar:

ClinVar aggregate classification (germline): Uncertain significance. Review status: criteria provided, multiple submitters, no conflicts (2 of 4 stars). 2 submissions from 2 submitters: Uncertain significance (2). Last evaluated 2025-09-08.

Conditions:
Cardiovascular phenotype. Identifiers: MedGen CN230736.
ANKRD1-related dilated cardiomyopathy. Identifiers: MedGen CN119551.

Allele frequency attached by ClinVar (database versions not stated): TOPMed below 0.00001.
gnomAD v4.1: 2 of 1,612,238 alleles (0.00012%); highest among the groups gnomAD compares: Non-Finnish European, 0.00017%; no homozygotes.

Submissions (2):

Labcorp Genetics (formerly Invitae), Labcorp
Classification: Uncertain significance for ANKRD1-related dilated cardiomyopathy. Last evaluated: 2025-09-08. Review status: criteria provided, single submitter. Criteria: Invitae Variant Classification Sherloc (09022015). Collection method: clinical testing. Allele origin: germline.
Comment: This sequence change replaces asparagine, which is neutral and polar, with threonine, which is neutral and polar, at codon 144 of the ANKRD1 protein (p.Asn144Thr). This variant is present in population databases (no rsID available, gnomAD 0.0009%). This variant has not been reported in the literature in individuals affected with ANKRD1-related conditions. ClinVar contains an entry for this variant (Variation ID: 2889782). Invitae Evidence Modeling of protein sequence and biophysical properties (such as structural, functional, and spatial information, amino acid conservation, physicochemical variation, residue mobility, and thermodynamic stability) indicates that this missense variant is not expected to disrupt ANKRD1 protein function with a negative predictive value of 80%. In summary, the available evidence is currently insufficient to determine the role of this variant in disease. Therefore, it has been classified as a Variant of Uncertain Significance.

Ambry Genetics
Classification: Uncertain significance for Cardiovascular phenotype. Last evaluated: 2024-11-07. Review status: criteria provided, single submitter. Criteria: Ambry Variant Classification Scheme 2023. Collection method: clinical testing. Allele origin: germline.

NM_014391.3(ANKRD1):c.431A>C (p.Asn144Thr)

Gene: ANKRD1 (ankyrin repeat domain 1; minus strand). Cytogenetic location: 10q23.31.
Variant type: single nucleotide variant.
Coding change: c.431A>C on transcript NM_014391.3 (MANE Select); coding-DNA position 431, A replaced by C.
Protein change: p.Asn144Thr; replaces asparagine 144 with threonine.
Molecular consequence: missense variant.
Genome position (GRCh38, 1-based): chr10:90,918,887, T>G on the plus strand (A>C on the coding strand, the complement: ANKRD1 is on the minus strand). VCF-style: chr10-90918887-T-G. GRCh37 (hg19) VCF-style: chr10-92678644-T-G.
Other names: short protein forms N144T.
Identifiers: ClinVar variation 2889782 (VCV002889782.4), dbSNP rs1359119128, ClinGen allele CA377552107.